The following is an entry in ClinVar:

ClinVar aggregate classification (germline): Conflicting classifications of pathogenicity. Review status: criteria provided, conflicting classifications (1 of 4 stars). 4 submissions from 4 submitters: Uncertain significance (2); Likely benign (2). Last evaluated 2025-07-15.

Conditions:
Primary ciliary dyskinesia. Also called: Ciliary dyskinesia. Identifiers: Orphanet 244, MedGen C0008780, MONDO:0016575, HP:0012265.

Allele frequency attached by ClinVar (database versions not stated): gnomAD exomes 0.00003 and 0.00005; ExAC 0.00008; gnomAD 0.00014 and 0.00017; TOPMed 0.00020; 1000 Genomes Project 0.00100; 1000 Genomes Project 30x 0.00109.
gnomAD v4.1: 67 of 1,614,128 alleles (0.0042%); highest among the groups gnomAD compares: Admixed American, 0.043%; no homozygotes.

Submissions (4):

Ambry Genetics
Classification: Likely benign for Primary ciliary dyskinesia. Last evaluated: 2025-07-15. Review status: criteria provided, single submitter. Criteria: Ambry Variant Classification Scheme 2023. Collection method: clinical testing. Allele origin: germline.

Blueprint Genetics
Classification: Likely benign. Last evaluated: 2024-10-28. Review status: criteria provided, single submitter. Criteria: ACMG Guidelines, 2015. Collection method: clinical testing. Allele origin: germline.

Labcorp Genetics (formerly Invitae), Labcorp
Classification: Uncertain significance for Primary ciliary dyskinesia. Last evaluated: 2022-08-11. Review status: criteria provided, single submitter. Criteria: Invitae Variant Classification Sherloc (09022015). Collection method: clinical testing. Allele origin: germline.
Comment: This sequence change replaces methionine, which is neutral and non-polar, with valine, which is neutral and non-polar, at codon 258 of the CCDC40 protein (p.Met258Val). This variant is present in population databases (rs200614903, gnomAD 0.02%). This variant has not been reported in the literature in individuals affected with CCDC40-related conditions. ClinVar contains an entry for this variant (Variation ID: 1002977). Algorithms developed to predict the effect of missense changes on protein structure and function output the following: SIFT: "Tolerated"; PolyPhen-2: "Benign"; Align-GVGD: "Class C0". The valine amino acid residue is found in multiple mammalian species, which suggests that this missense change does not adversely affect protein function. In summary, the available evidence is currently insufficient to determine the role of this variant in disease. Therefore, it has been classified as a Variant of Uncertain Significance.

GeneDx
Classification: Uncertain significance. Last evaluated: 2022-01-19. Review status: criteria provided, single submitter. Criteria: GeneDx Variant Classification Process June 2021. Collection method: clinical testing. Allele origin: germline. Affected: yes.
Comment: Has not been previously published as pathogenic or benign to our knowledge; In silico analysis supports that this missense variant does not alter protein structure/function

NM_017950.4(CCDC40):c.772A>G (p.Met258Val)

Gene: CCDC40 (coiled-coil domain 40 molecular ruler complex subunit; plus strand). Cytogenetic location: 17q25.3.
Variant type: single nucleotide variant.
Coding change: c.772A>G on transcript NM_017950.4 (MANE Select); coding-DNA position 772, A replaced by G.
Protein change: p.Met258Val; replaces methionine 258 with valine.
Molecular consequence: missense variant.
Genome position (GRCh38, 1-based): chr17:80,048,678, A>G. VCF-style: chr17-80048678-A-G. GRCh37 (hg19) VCF-style: chr17-78022477-A-G.
Other names: c.772A>G, p.Met258Val (NM_001243342.2, NM_001330508.2); short protein forms M258V.
Identifiers: ClinVar variation 1002977 (VCV001002977.10), dbSNP rs200614903, ClinGen allele CA8813566.
Genomic context (GRCh38, chr17:80,048,678, plus strand): 5'-GAAGGAGACCTGCCAGTGTTCCAGGACCAGATCCAGCAGCCCAGCACCGAGGAGGGGGCC[A>G]TGGCAGAGAGAGTGGAGTCCGAGGGGAGTGACGAGGAAGCAGAAGACGAAGGGTCCCAGC-3'
Protein context (NP_060420.2, residues 248-268): IQQPSTEEGA[Met258Val]AERVESEGSD